The following is an entry in ClinVar:

ClinVar aggregate classification (germline): Conflicting classifications of pathogenicity. Review status: criteria provided, conflicting classifications (1 of 4 stars). 2 submissions from 2 submitters: Uncertain significance (1); Likely benign (1). Last evaluated 2018-01-13.

Conditions:
Argininosuccinate lyase deficiency. Also called: ARGININOSUCCINIC ACID LYASE DEFICIENCY; ASL DEFICIENCY; Argininosuccinic aciduria. Identifiers: Orphanet 23, MedGen C0268547, MONDO:0008815, OMIM 207900, HP:0025630.

Allele frequency attached by ClinVar (database versions not stated): gnomAD 0.00011; gnomAD exomes 0.00011 and 0.00016; ExAC 0.00017; TOPMed 0.00026.
gnomAD v4.1: 235 of 1,594,866 alleles (0.015%); highest among the groups gnomAD compares: Non-Finnish European, 0.019%; no homozygotes.

Submissions (2):

Illumina Laboratory Services, Illumina
Classification: Uncertain significance for Argininosuccinate lyase deficiency. Last evaluated: 2018-01-13. Review status: criteria provided, single submitter. Criteria: ICSL Variant Classification Criteria 13 December 2019. Collection method: clinical testing. Allele origin: germline.

GeneDx
Classification: Likely benign. Last evaluated: 2017-06-07. Review status: criteria provided, single submitter. Criteria: GeneDx Variant Classification (06012015). Collection method: clinical testing. Allele origin: germline. Affected: yes.
Comment: This variant is considered likely benign or benign based on one or more of the following criteria: it is a conservative change, it occurs at a poorly conserved position in the protein, it is predicted to be benign by multiple in silico algorithms, and/or has population frequency not consistent with disease.

NM_000048.4(ASL):c.-31G>A

Gene: ASL (argininosuccinate lyase; plus strand). Cytogenetic location: 7q11.21.
Variant type: single nucleotide variant.
Coding change: c.-31G>A on transcript NM_000048.4 (MANE Select); 31 bases upstream of the start codon, G replaced by A.
Molecular consequence: 5 prime UTR variant.
Genome position (GRCh38, 1-based): chr7:66,076,051, G>A. VCF-style: chr7-66076051-G-A. GRCh37 (hg19) VCF-style: chr7-65541038-G-A.
Other names: c.-31G>A (NM_001024943.2, NM_001024944.2, NM_001024946.2).
Identifiers: ClinVar variation 360564 (VCV000360564.5), dbSNP rs766867890, ClinGen allele CA4276783.
Genomic context (GRCh38, chr7:66,076,051, plus strand): 5'-GGGGACCCTGCTGGCCAAGGAGGTCGTCAGTCCGGTCTTGTCTTCCAGACCCGGAGGACC[G>A]AAGCTTCCGGACGACGAGGAACCGCCCAACATGGCCTCGGAGGTGAGTGGGACCTCGGGG-3'